The following is an entry in ClinVar:

ClinVar aggregate classification (germline): Likely pathogenic (1 of 4 stars; one submission).

Conditions:
Leber congenital amaurosis (LCA). Also called: Leber's amaurosis. Identifiers: Orphanet 65, MedGen C0339527, MeSH D057130, MONDO:0018998.

Submission:

Natera, Inc.
Classification: Likely pathogenic for Leber congenital amaurosis. Last evaluated: 2025-02-13. Review status: criteria provided, single submitter. Criteria: Natera Variant Classification Schema (03/2026). Collection method: clinical testing. Allele origin: germline.
Comment: The c.632del variant in RPE65 is a frameshift variant predicted to shift the reading frame beginning at codon 211 and leads to a stop codon 10 codons downstream. This variant is expected to result in nonsense mediated decay, truncation, or a dysfunctional protein product. This variant is rare in the general population with a frequency below the threshold expected for the associated phenotype(s). Given the available evidence, this variant is classified as Likely Pathogenic.

NM_000329.3(RPE65):c.632del (p.Pro211fs)

Gene: RPE65 (retinoid isomerohydrolase RPE65; minus strand). Cytogenetic location: 1p31.3.
Variant type: Deletion.
Coding change: c.632del on transcript NM_000329.3 (MANE Select); coding-DNA position 632, one base deleted (C; older notation c.632delC).
Protein change: p.Pro211fs; shifts the reading frame from proline 211.
Molecular consequence: frameshift variant.
Genome position (GRCh38, 1-based): chr1:68,440,864, G deleted on the plus strand (C on the coding strand, the reverse complement: RPE65 is on the minus strand); the first of 2 consecutive G bases (chr1:68,440,864-68,440,865); deleting either gives the same sequence. VCF-style (leftmost placement, unchanged base first): chr1-68440863-TG-T. GRCh37 (hg19) VCF-style: chr1-68906546-TG-T.
Other names: c.524del, p.Pro175fs (NM_001406853.1); c.356del, p.Pro119fs (NM_001406856.1, NM_001406857.1); c.632del, p.Pro211fs (NM_001406859.1); short protein forms P119fs, P175fs, P211fs.
Identifiers: ClinVar variation 4060803 (VCV004060803.2).